The following is an entry in ClinVar:

ClinVar aggregate classification (germline): Uncertain significance. Review status: criteria provided, multiple submitters, no conflicts (2 of 4 stars). 2 submissions from 2 submitters: Uncertain significance (2). Last evaluated 2025-05-26.

Conditions:
ZTTK syndrome (ZTTKS). Also called: ZTTK MULTIPLE CONGENITAL ANOMALIES-MENTAL RETARDATION SYNDROME; Zhu-Tokita-Takenouchi-Kim Syndrome. Identifiers: Orphanet 500150, MedGen C4310696, MONDO:0014936, OMIM 617140.

Allele frequency attached by ClinVar (database versions not stated): TOPMed 0.00001; ExAC 0.00002; gnomAD 0.00002.
gnomAD v4.1: 6 of 1,588,396 alleles (0.00038%); highest among the groups gnomAD compares: African/African-American, 0.0041%; no homozygotes.

Submissions (2):

Labcorp Genetics (formerly Invitae), Labcorp
Classification: Uncertain significance. Last evaluated: 2025-05-26. Review status: criteria provided, single submitter. Criteria: Invitae Variant Classification Sherloc (09022015). Collection method: clinical testing. Allele origin: germline.
Comment: This sequence change replaces arginine, which is basic and polar, with histidine, which is basic and polar, at codon 1990 of the SON protein (p.Arg1990His). This variant is not present in population databases (gnomAD no frequency). This variant has not been reported in the literature in individuals affected with SON-related conditions. ClinVar contains an entry for this variant (Variation ID: 1032272). Experimental studies and prediction algorithms are not available or were not evaluated, and the functional significance of this variant is currently unknown. In summary, the available evidence is currently insufficient to determine the role of this variant in disease. Therefore, it has been classified as a Variant of Uncertain Significance.

Baylor Genetics
Classification: Uncertain significance for ZTTK syndrome. Last evaluated: 2018-07-31. Review status: criteria provided, single submitter. Criteria: ACMG Guidelines, 2015. Collection method: clinical testing. Allele origin: de novo. Affected: yes.
Comment: This variant was determined to be of uncertain significance according to ACMG Guidelines, 2015 [PMID:25741868].

NM_138927.4(SON):c.5969G>A (p.Arg1990His)

Gene: SON (SON DNA and RNA binding protein; plus strand). Cytogenetic location: 21q22.11.
Variant type: single nucleotide variant.
Coding change: c.5969G>A on transcript NM_138927.4 (MANE Select); coding-DNA position 5969, G replaced by A.
Protein change: p.Arg1990His; replaces arginine 1990 with histidine.
Molecular consequence: missense variant. On other transcripts: non-coding transcript variant (1), intron variant (1).
Genome position (GRCh38, 1-based): chr21:33,555,200, G>A. VCF-style: chr21-33555200-G-A. GRCh37 (hg19) VCF-style: chr21-34927506-G-A.
Other names: c.5969G>A, p.Arg1990His (NM_001291411.2, NM_032195.3); c.245-1956G>A (NM_001291412.3); short protein forms R1990H.
Identifiers: ClinVar variation 1032272 (VCV001032272.4), dbSNP rs750382142, ClinGen allele CA10009854.